The following is an entry in ClinVar:

ClinVar aggregate classification (germline): Uncertain significance (1 of 4 stars; one submission).

Conditions:
Cardiovascular phenotype. Identifiers: MedGen CN230736.

Submission:

Ambry Genetics
Classification: Uncertain significance for Cardiovascular phenotype. Last evaluated: 2023-10-12. Review status: criteria provided, single submitter. Criteria: Ambry Variant Classification Scheme 2023. Collection method: clinical testing. Allele origin: germline.
Comment: The p.L540I variant (also known as c.1618C>A), located in coding exon 13 of the DSP gene, results from a C to A substitution at nucleotide position 1618. The leucine at codon 540 is replaced by isoleucine, an amino acid with highly similar properties. This amino acid position is conserved. In addition, the in silico prediction for this alteration is inconclusive. Since supporting evidence is limited at this time, the clinical significance of this alteration remains unclear.

NM_004415.4(DSP):c.1618C>A (p.Leu540Ile)

Gene: DSP (desmoplakin; plus strand). Cytogenetic location: 6p24.3.
Variant type: single nucleotide variant.
Coding change: c.1618C>A on transcript NM_004415.4 (MANE Select); coding-DNA position 1618, C replaced by A.
Protein change: p.Leu540Ile; replaces leucine 540 with isoleucine.
Molecular consequence: missense variant.
Genome position (GRCh38, 1-based): chr6:7,570,480, C>A. VCF-style: chr6-7570480-C-A. GRCh37 (hg19) VCF-style: chr6-7570713-C-A.
Other names: c.1618C>A, p.Leu540Ile (NM_001008844.3, NM_001319034.2); short protein forms L540I.
Identifiers: ClinVar variation 3224213 (VCV003224213.1), dbSNP rs2533890348, ClinGen allele CA362678170.